The following is an entry in ClinVar:

ClinVar aggregate classification (germline): Pathogenic (1 of 4 stars; one submission).

Conditions:
Jeune thoracic dystrophy. Also called: Jeune's syndrome; Chondroectodermal dysplasia-like syndrome; Short-rib thoracic dysplasia; Jeune syndrome; Infantile thoracic dystrophy; Thoracic pelvic phalangeal dystrophy. Identifiers: Orphanet 474, MedGen C0265275, MONDO:0018770.

Submission:

Labcorp Genetics (formerly Invitae), Labcorp
Classification: Pathogenic for Jeune thoracic dystrophy. Last evaluated: 2023-06-13. Review status: criteria provided, single submitter. Criteria: Invitae Variant Classification Sherloc (09022015). Collection method: clinical testing. Allele origin: unknown.
Comment: For these reasons, this variant has been classified as Pathogenic. This variant disrupts a region of the DYNC2H1 protein in which other variant(s) (p.Ser3557Pro) have been determined to be pathogenic (PMID: 23339108, 25356970, 28973083; Invitae). This suggests that this is a clinically significant region of the protein, and that variants that disrupt it are likely to be disease-causing. This variant has not been reported in the literature in individuals affected with DYNC2H1-related conditions. This variant results in the deletion of exons 71-85 and part of exon 70 (c.10506_12387+12354delinsTGACATT) of the DYNC2H1 gene. It is expected to disrupt RNA splicing. Variants that disrupt the donor or acceptor splice site typically lead to a loss of protein function (PMID: 16199547), and loss-of-function variants in DYNC2H1 are known to be pathogenic (PMID: 23339108, 32753734).

Literature cited by the submitters: PubMed 23339108; PubMed 25356970; PubMed 28973083; PubMed 16199547; PubMed 32753734.

NC_000011.9:g.(?_103128360)_(103282954_?)del

Gene: DYNC2H1 (dynein cytoplasmic 2 heavy chain 1; plus strand). Cytogenetic location: 11q22.3.
Variant type: Deletion.
Identifiers: ClinVar variation 3244579 (VCV003244579.1).